The following is an entry in ClinVar:

ClinVar aggregate classification (germline): Benign/Likely benign. Review status: criteria provided, multiple submitters, no conflicts (2 of 4 stars). 5 submissions from 5 submitters: Benign (1); Likely benign (3). 1 of the submissions does not count toward it. Last evaluated 2026-02-02.

Conditions:
Multiple sulfatase deficiency (MSD). Also called: Mucosulfatidosis; Multiple Sulfatase Deficiency Disease; Sulfatidosis, Juvenile, Austin Type. Identifiers: Orphanet 585, MedGen C0268263, MONDO:0010088, OMIM 272200.

Allele frequency attached by ClinVar (database versions not stated): ESP Exome Variant Server 0.00024; 1000 Genomes Project 30x 0.00031; 1000 Genomes Project 0.00040; TOPMed 0.00047; gnomAD 0.00071 and 0.00073; gnomAD exomes 0.00083 and 0.00098; ExAC 0.00140.
gnomAD v4.1: 1,262 of 1,560,944 alleles (0.081%); highest among the groups gnomAD compares: Non-Finnish European, 0.085%; 3 homozygotes.

Submissions (5):

Labcorp Genetics (formerly Invitae), Labcorp
Classification: Benign for Multiple sulfatase deficiency. Last evaluated: 2026-02-02. Review status: criteria provided, single submitter. Criteria: Invitae Variant Classification Sherloc (09022015). Collection method: clinical testing. Allele origin: germline.

Mayo Clinic Laboratories, Mayo Clinic
Classification: Likely benign. Last evaluated: 2025-11-27. Review status: criteria provided, single submitter. Criteria: ACMG Guidelines, 2015. Collection method: clinical testing. Allele origin: germline. Observed: 5 variant alleles.
Comment: BS1, BP4

Blueprint Genetics
Classification: Likely benign. Last evaluated: 2024-11-20. Review status: criteria provided, single submitter. Criteria: ACMG Guidelines, 2015. Collection method: clinical testing. Allele origin: germline.

CeGaT Center for Human Genetics Tuebingen
Classification: Likely benign. Last evaluated: 2021-07-01. Review status: criteria provided, single submitter. Criteria: CeGaT Center For Human Genetics Tuebingen Variant Classification Criteria Version 2. Collection method: clinical testing. Allele origin: germline. Affected: yes. Observed: 2 variant alleles.

Natera, Inc.
Classification: Benign for Multiple sulfatase deficiency. Last evaluated: 2020-04-23. Review status: no assertion criteria provided. Collection method: clinical testing. Allele origin: germline. Not counted in ClinVar's aggregate classification.

NM_182760.4(SUMF1):c.128C>T (p.Ala43Val)

Genes: SUMF1 (sulfatase modifying factor 1; minus strand), LOC129936056 (ATAC-STARR-seq lymphoblastoid silent region 14016; plus strand). Cytogenetic location: 3p26.1.
Variant type: single nucleotide variant.
Coding change: c.128C>T on transcript NM_182760.4 (MANE Select); coding-DNA position 128, C replaced by T.
Protein change: p.Ala43Val; replaces alanine 43 with valine.
Molecular consequence: missense variant.
Genome position (GRCh38, 1-based): chr3:4,467,118, G>A on the plus strand (C>T on the coding strand, the complement: SUMF1 is on the minus strand). VCF-style: chr3-4467118-G-A. GRCh37 (hg19) VCF-style: chr3-4508802-G-A.
Other names: p.Ala43Val; c.128C>T, p.Ala43Val (NM_001164674.2, NM_001164675.2); short protein forms A43V.
Identifiers: ClinVar variation 730689 (VCV000730689.52), dbSNP rs200789939, ClinGen allele CA2230712.
Genomic context (GRCh38, chr3:4,467,118, plus strand): 5'-CTGCCATGGGCGCCAGGCCGCTGGGGCGTGCCGCAGCCGCAAGAACCCGCAAGGGACCCC[G>A]CGCCCGCACCGGTCCCGGCCTCCTGGCTCCCTGCCGCTCCACACAGCAGCGAGAGCAGCA-3'
Protein context (NP_877437.2, residues 33-53): GSQEAGTGAG[Ala43Val]GSLAGSCGCG